The following is an entry in ClinVar:

NM_000494.4(COL17A1):c.1906G>A (p.Gly636Arg)

Gene: COL17A1 (collagen type XVII alpha 1 chain; minus strand). Cytogenetic location: 10q25.1.
Variant type: single nucleotide variant.
Coding change: c.1906G>A on transcript NM_000494.4 (MANE Select); coding-DNA position 1906, G replaced by A.
Protein change: p.Gly636Arg; replaces glycine 636 with arginine.
Molecular consequence: missense variant.
Genome position (GRCh38, 1-based): chr10:104,053,064, C>T on the plus strand (G>A on the coding strand, the complement: COL17A1 is on the minus strand). VCF-style: chr10-104053064-C-T. GRCh37 (hg19) VCF-style: chr10-105812822-C-T.
Other names: c.1906G>A, p.Gly636Arg (LRG_1249t1); short protein forms G636R.
Identifiers: ClinVar variation 390382 (VCV000390382.2), dbSNP rs767083273, ClinGen allele CA16605963.
Genomic context (GRCh38, chr10:104,053,064, plus strand): 5'-TCTGCCGGTGAAGGAATTGCCTCTTACCTCTTTCCCCTTTCTCTCCAGATCCAGGAGGCC[C>T]TGCCTCACCACGAGGTCCCATGGGGCCTTCTCGCCCTCTCTGGCCCATGGGGCCTTCCAT-3'
Protein context (NP_000485.3, residues 626-646): EGPMGPRGEA[Gly636Arg]PPGSGEKGER

ClinVar aggregate classification (germline): Pathogenic (1 of 4 stars; one submission).

Allele frequency attached by ClinVar (database versions not stated): TOPMed below 0.00001; gnomAD 0.00001.
gnomAD v4.1: 11 of 1,614,046 alleles (0.00068%); highest among the groups gnomAD compares: African/African-American, 0.0013%; no homozygotes.

Submission:

GeneDx
Classification: Pathogenic. Last evaluated: 2017-01-06. Review status: criteria provided, single submitter. Criteria: GeneDx Variant Classification (06012015). Collection method: clinical testing. Allele origin: germline. Affected: yes.
Comment: The G636R variant in the COL17A1 gene has not been reported previously as a pathogenic variant, nor as a benign variant, to our knowledge. The G636R variant was not observed in approximately 6500 individuals of European and African American ancestry in the NHLBI Exome Sequencing Project, indicating it is not a common benign variant in these populations. The G636R variant is a non-conservative amino acid substitution, which is likely to impact secondary protein structure as these residues differ in polarity, charge, size and/or other properties. This substitution occurs at a position that is conserved across species. In silico analysis predicts this variant is probably damaging to the protein structure/function as it occurs at the first Glycine position of the canonical Gly-X-Y repeat in the collagenous domain of the COLXVII protein. Glycine substitution variants in this region of the collagen XVII protein will destabilize the collagen triple helix resulting in a protein that is fragile and likely unable to function properly. Therefore, we interpret G636R as a pathogenic variant.